The following is an entry in ClinVar:

ClinVar aggregate classification (germline): Pathogenic (1 of 4 stars; one submission).

Conditions:
Inborn genetic diseases. Identifiers: MedGen C0950123, MeSH D030342.

Submission:

Ambry Genetics
Classification: Pathogenic for Inborn genetic diseases. Last evaluated: 2022-07-24. Review status: criteria provided, single submitter. Criteria: Ambry Variant Classification Scheme 2023. Collection method: clinical testing. Allele origin: germline.
Comment: The c.1255G>T (p.E419*) alteration, located in exon 11 (coding exon 11) of the CLPB gene, consists of a G to T substitution at nucleotide position 1255. This changes the amino acid from a glutamic acid (E) to a stop codon at amino acid position 419. This alteration is expected to result in loss of function by premature protein truncation or nonsense-mediated mRNA decay. This variant was not reported in population-based cohorts in the Genome Aggregation Database (gnomAD). Based on the available evidence, this alteration is classified as pathogenic.

NM_001258392.3(CLPB):c.1165G>T (p.Glu389Ter)

Genes: CLPB (ClpB family mitochondrial disaggregase; minus strand), LOC126861258 (MED14-independent group 3 enhancer GRCh37_chr11:72012242-72013441; plus strand). Cytogenetic location: 11q13.4.
Variant type: single nucleotide variant.
Coding change: c.1165G>T on transcript NM_001258392.3 (MANE Select); coding-DNA position 1165, G replaced by T.
Protein change: p.Glu389Ter; replaces glutamic acid 389 with a stop codon.
Molecular consequence: nonsense.
Genome position (GRCh38, 1-based): chr11:72,302,306, C>A on the plus strand (G>T on the coding strand, the complement: CLPB is on the minus strand). VCF-style: chr11-72302306-C-A. GRCh37 (hg19) VCF-style: chr11-72013350-C-A.
Other names: c.1078G>T, p.Glu360Ter (NM_001258393.3); c.1120G>T, p.Glu374Ter (NM_001258394.3); c.1255G>T, p.Glu419Ter (NM_030813.6); short protein forms E360*, E419*, E389*, E374*.
Identifiers: ClinVar variation 2296567 (VCV002296567.2), dbSNP rs2539346486, ClinGen allele CA381733434.